The following is an entry in ClinVar:

ClinVar aggregate classification (germline): Uncertain significance (1 of 4 stars; one submission).

Allele frequency attached by ClinVar (database versions not stated): ExAC 0.00001; gnomAD exomes 0.00001.
gnomAD v4.1: 9 of 1,613,862 alleles (0.00056%); highest among the groups gnomAD compares: Admixed American, 0.0017%; no homozygotes.

Submission:

Labcorp Genetics (formerly Invitae), Labcorp
Classification: Uncertain significance. Last evaluated: 2023-03-24. Review status: criteria provided, single submitter. Criteria: Invitae Variant Classification Sherloc (09022015). Collection method: clinical testing. Allele origin: germline.
Comment: This sequence change replaces threonine, which is neutral and polar, with arginine, which is basic and polar, at codon 5 of the KANK1 protein (p.Thr5Arg). This variant is present in population databases (rs752999934, gnomAD 0.003%). This variant has not been reported in the literature in individuals affected with KANK1-related conditions. An algorithm developed to predict the effect of missense changes on protein structure and function (PolyPhen-2) suggests that this variant is likely to be tolerated. In summary, the available evidence is currently insufficient to determine the role of this variant in disease. Therefore, it has been classified as a Variant of Uncertain Significance.

NM_015158.5(KANK1):c.14C>G (p.Thr5Arg)

Genes: KANK1 (KN motif and ankyrin repeat domains 1; plus strand), KANK1-AS1 (KANK1 antisense RNA 1; minus strand). Cytogenetic location: 9p24.3.
Variant type: single nucleotide variant.
Coding change: c.14C>G on transcript NM_015158.5 (MANE Select); coding-DNA position 14, C replaced by G.
Protein change: p.Thr5Arg; replaces threonine 5 with arginine.
Molecular consequence: missense variant. On other transcripts: 5 prime UTR variant (1).
Genome position (GRCh38, 1-based): chr9:676,986, C>G. VCF-style: chr9-676986-C-G. GRCh37 (hg19) VCF-style: chr9-676986-C-G.
Other names: c.14C>G, p.Thr5Arg (NM_001256876.3, NM_001256877.3, NM_001354331.2 and 2 more transcripts); c.-494C>G (NM_001354333.2); short protein forms T5R.
Identifiers: ClinVar variation 3019449 (VCV003019449.3), dbSNP rs752999934, ClinGen allele CA4959798.
Genomic context (GRCh38, chr9:676,986, plus strand): 5'-CATGACTCCTCACTCCTTTCTGGATCTCTCATTGGACTCAAGCCAGCATGGCTCACACCA[C>G]AAAGGTTAACGGCAGTGCCTCAGGTAACCCTGTGCTCTGGAGTTTGTGTGTTAAATGTAT-3'
Protein context (NP_055973.2, residues 1-15): MAHT[Thr5Arg]KVNGSASGKA